The following is an entry in ClinVar:

NM_002599.5(PDE2A):c.2713C>T (p.Arg905Cys)

Gene: PDE2A (phosphodiesterase 2A; minus strand). Cytogenetic location: 11q13.4.
Variant type: single nucleotide variant.
Coding change: c.2713C>T on transcript NM_002599.5 (MANE Select); coding-DNA position 2713, C replaced by T.
Protein change: p.Arg905Cys; replaces arginine 905 with cysteine.
Molecular consequence: missense variant.
Genome position (GRCh38, 1-based): chr11:72,577,497, G>A on the plus strand (C>T on the coding strand, the complement: PDE2A is on the minus strand). VCF-style: chr11-72577497-G-A. GRCh37 (hg19) VCF-style: chr11-72288541-G-A.
Other names: c.2692C>T, p.Arg898Cys (NM_001143839.4); c.2686C>T, p.Arg896Cys (NM_001146209.3); c.2650C>T, p.Arg884Cys (NM_001243784.2); short protein forms R905C, R896C, R898C, R884C.
Identifiers: ClinVar variation 1986280 (VCV001986280.4), dbSNP rs767040419, ClinGen allele CA6171769.
Genomic context (GRCh38, chr11:72,577,497, plus strand): 5'-GATCAGGCACCTCGTACTCCTCATCCAGGAAGTCCAGCGAGTTGTTACTTGGGAGGCCGC[G>A]GATGGTGAACTTGTGGGACACCTTGGTCCAGTGCTCACGGTTGGAGGCCACGCGCTCGTA-3'
Protein context (NP_002590.1, residues 895-915): WTKVSHKFTI[Arg905Cys]GLPSNNSLDF

ClinVar aggregate classification (germline): Uncertain significance (1 of 4 stars; one submission).

Allele frequency attached by ClinVar (database versions not stated): gnomAD exomes 0.00002; TOPMed 0.00002; gnomAD 0.00003; ExAC 0.00004.
gnomAD v4.1: 33 of 1,613,560 alleles (0.002%); highest among the groups gnomAD compares: Middle Eastern, 0.016%; no homozygotes.

Submission:

Labcorp Genetics (formerly Invitae), Labcorp
Classification: Uncertain significance. Last evaluated: 2023-08-17. Review status: criteria provided, single submitter. Criteria: Invitae Variant Classification Sherloc (09022015). Collection method: clinical testing. Allele origin: germline.
Comment: In summary, the available evidence is currently insufficient to determine the role of this variant in disease. Therefore, it has been classified as a Variant of Uncertain Significance. An algorithm developed to predict the effect of missense changes on protein structure and function (PolyPhen-2) suggests that this variant is likely to be disruptive. ClinVar contains an entry for this variant (Variation ID: 1986280). This variant has not been reported in the literature in individuals affected with PDE2A-related conditions. This variant is present in population databases (rs767040419, gnomAD 0.01%). This sequence change replaces arginine, which is basic and polar, with cysteine, which is neutral and slightly polar, at codon 905 of the PDE2A protein (p.Arg905Cys).